The following is an entry in ClinVar:

ClinVar aggregate classification (germline): Uncertain significance (1 of 4 stars; one submission).

Conditions:
Familial hypercholesterolemia. Also called: Familial hypercholesterolaemia. Identifiers: MedGen C0020445, MONDO:0005439.

Submission:

Color Diagnostics, LLC DBA Color Health
Classification: Uncertain significance for Familial hypercholesterolemia. Last evaluated: 2024-03-06. Review status: criteria provided, single submitter. Criteria: ACMG Guidelines, 2015. Collection method: clinical testing. Allele origin: germline.
Comment: This missense variant replaces arginine with isoleucine at codon 218 of the PCSK9 protein. Computational prediction is inconclusive regarding the impact of this variant on protein structure and function (internally defined REVEL score threshold 0.5 < inconclusive < 0.7, PMID: 27666373). To our knowledge, functional studies have not been reported for this variant. This variant has not been reported in individuals affected with familial hypercholesterolemia in the literature. This variant has not been identified in the general population by the Genome Aggregation Database (gnomAD). The available evidence is insufficient to determine the role of this variant in disease conclusively. Therefore, this variant is classified as a Variant of Uncertain Significance.

NM_174936.4(PCSK9):c.653G>T (p.Arg218Ile)

Gene: PCSK9 (proprotein convertase subtilisin/kexin type 9; plus strand). Cytogenetic location: 1p32.3.
Variant type: single nucleotide variant.
Coding change: c.653G>T on transcript NM_174936.4 (MANE Select); coding-DNA position 653, G replaced by T.
Protein change: p.Arg218Ile; replaces arginine 218 with isoleucine.
Molecular consequence: missense variant.
Genome position (GRCh38, 1-based): chr1:55,052,407, G>T. VCF-style: chr1-55052407-G-T. GRCh37 (hg19) VCF-style: chr1-55518080-G-T.
Other names: c.776G>T, p.Arg259Ile (NM_001407240.1); c.653G>T, p.Arg218Ile (NM_001407241.1, NM_001407242.1, NM_001407244.1 and 1 more transcripts); c.596G>T, p.Arg199Ile (NM_001407243.1); c.461G>T, p.Arg154Ile (NM_001407245.1); c.278G>T, p.Arg93Ile (NM_001407246.1); short protein forms R218I, R259I, R93I, R154I, R199I.
Identifiers: ClinVar variation 1332018 (VCV001332018.4), dbSNP rs1644681544, ClinGen allele CA340473648.